The following is an entry in ClinVar:

ClinVar aggregate classification (germline): Uncertain significance (1 of 4 stars; one submission).

Allele frequency attached by ClinVar (database versions not stated): ExAC 0.00001; gnomAD exomes 0.00001; gnomAD 0.00002; TOPMed 0.00002.
gnomAD v4.1: 20 of 1,613,440 alleles (0.0012%); highest among the groups gnomAD compares: Admixed American, 0.017%; no homozygotes.

Submission:

Labcorp Genetics (formerly Invitae), Labcorp
Classification: Uncertain significance. Last evaluated: 2022-08-08. Review status: criteria provided, single submitter. Criteria: Invitae Variant Classification Sherloc (09022015). Collection method: clinical testing. Allele origin: germline.
Comment: This sequence change replaces aspartic acid, which is acidic and polar, with valine, which is neutral and non-polar, at codon 279 of the CASQ1 protein (p.Asp279Val). This variant is present in population databases (rs749804387, gnomAD 0.01%). This variant has not been reported in the literature in individuals affected with CASQ1-related conditions. Algorithms developed to predict the effect of missense changes on protein structure and function (SIFT, PolyPhen-2, Align-GVGD) all suggest that this variant is likely to be tolerated. In summary, the available evidence is currently insufficient to determine the role of this variant in disease. Therefore, it has been classified as a Variant of Uncertain Significance.

NM_001231.5(CASQ1):c.836A>T (p.Asp279Val)

Gene: CASQ1 (calsequestrin 1; plus strand). Cytogenetic location: 1q23.2.
Variant type: single nucleotide variant.
Coding change: c.836A>T on transcript NM_001231.5 (MANE Select); coding-DNA position 836, A replaced by T.
Protein change: p.Asp279Val; replaces aspartic acid 279 with valine.
Molecular consequence: missense variant.
Genome position (GRCh38, 1-based): chr1:160,198,684, A>T. VCF-style: chr1-160198684-A-T. GRCh37 (hg19) VCF-style: chr1-160168474-A-T.
Other names: short protein forms D279V.
Identifiers: ClinVar variation 2419528 (VCV002419528.6), dbSNP rs749804387, ClinGen allele CA1196365.
Genomic context (GRCh38, chr1:160,198,684, plus strand): 5'-GAGTATAGTAAGGTCTTCTCCAAAACCCTGTTCTCCTTCTTACCCCCTGACAGGAGGATG[A>T]TATGGATGGAATCCACATTGTGGCCTTCGCAGAGGAAGCTGATCCTGGTGAGGGAGGAAT-3'
Protein context (NP_001222.3, residues 269-289): PESMYETWED[Asp279Val]MDGIHIVAFA